The following is an entry in ClinVar:

NM_005101.4(ISG15):c.32C>T (p.Ala11Val)

Gene: ISG15 (ISG15 ubiquitin like modifier; plus strand). Cytogenetic location: 1p36.33.
Variant type: single nucleotide variant.
Coding change: c.32C>T on transcript NM_005101.4 (MANE Select); coding-DNA position 32, C replaced by T.
Protein change: p.Ala11Val; replaces alanine 11 with valine.
Molecular consequence: missense variant.
Genome position (GRCh38, 1-based): chr1:1,014,012, C>T. VCF-style: chr1-1014012-C-T. GRCh37 (hg19) VCF-style: chr1-949392-C-T.
Other names: c.32C>T, p.Ala11Val (LRG_1231t1); short protein forms A11V.
Identifiers: ClinVar variation 661610 (VCV000661610.5), dbSNP rs950572063, ClinGen allele CA16725097.

ClinVar aggregate classification (germline): Uncertain significance. Review status: criteria provided, multiple submitters, no conflicts (2 of 4 stars). 2 submissions from 2 submitters: Uncertain significance (2). Last evaluated 2025-09-10.

Conditions:
Mendelian susceptibility to mycobacterial diseases due to complete ISG15 deficiency. Also called: IMMUNODEFICIENCY 38, MYCOBACTERIOSIS, AUTOSOMAL RECESSIVE; ISG15 DEFICIENCY, AUTOSOMAL RECESSIVE; Immunodeficiency 38 with basal ganglia calcification; Immunodeficiency 38. Identifiers: Orphanet 319563, MedGen C4015293, MONDO:0014502, OMIM 616126.

Allele frequency attached by ClinVar (database versions not stated): gnomAD exomes 0.00002; TOPMed 0.00002.

Submissions (2):

Ambry Genetics
Classification: Uncertain significance. Last evaluated: 2025-09-10. Review status: criteria provided, single submitter. Criteria: Ambry Variant Classification Scheme 2023. Collection method: clinical testing. Allele origin: germline.

Labcorp Genetics (formerly Invitae), Labcorp
Classification: Uncertain significance for Mendelian susceptibility to mycobacterial diseases due to complete ISG15 deficiency. Last evaluated: 2022-06-18. Review status: criteria provided, single submitter. Criteria: Invitae Variant Classification Sherloc (09022015). Collection method: clinical testing. Allele origin: germline.
Comment: This sequence change replaces alanine, which is neutral and non-polar, with valine, which is neutral and non-polar, at codon 11 of the ISG15 protein (p.Ala11Val). This variant is present in population databases (no rsID available, gnomAD 0.007%). This variant has not been reported in the literature in individuals affected with ISG15-related conditions. ClinVar contains an entry for this variant (Variation ID: 661610). Algorithms developed to predict the effect of missense changes on protein structure and function (SIFT, PolyPhen-2, Align-GVGD) all suggest that this variant is likely to be tolerated. Algorithms developed to predict the effect of sequence changes on RNA splicing suggest that this variant may create or strengthen a splice site. In summary, the available evidence is currently insufficient to determine the role of this variant in disease. Therefore, it has been classified as a Variant of Uncertain Significance.